The following is an entry in ClinVar:

NM_174936.4(PCSK9):c.1056G>A (p.Gly352=)

Gene: PCSK9 (proprotein convertase subtilisin/kexin type 9; plus strand). Cytogenetic location: 1p32.3.
Variant type: single nucleotide variant.
Coding change: c.1056G>A on transcript NM_174936.4 (MANE Select); coding-DNA position 1056, G replaced by A.
Protein change: p.Gly352=; no amino-acid change (glycine 352 retained).
Molecular consequence: synonymous variant. On other transcripts: non-coding transcript variant (7).
Genome position (GRCh38, 1-based): chr1:55,057,390, G>A. VCF-style: chr1-55057390-G-A. GRCh37 (hg19) VCF-style: chr1-55523063-G-A.
Other names: c.1179G>A, p.Gly393= (NM_001407240.1); c.1056G>A, p.Gly352= (NM_001407241.1, NM_001407244.1, NM_001407247.1); c.1059G>A, p.Gly353= (NM_001407242.1); c.999G>A, p.Gly333= (NM_001407243.1); c.864G>A, p.Gly288= (NM_001407245.1); c.681G>A, p.Gly227= (NM_001407246.1).
Identifiers: ClinVar variation 923356 (VCV000923356.8), dbSNP rs1304477848, ClinGen allele CA417960031.

ClinVar aggregate classification (germline): Likely benign. Review status: criteria provided, multiple submitters, no conflicts (2 of 4 stars). 4 submissions from 4 submitters: Likely benign (4). Last evaluated 2024-08-06.

Conditions:
Cardiovascular phenotype. Identifiers: MedGen CN230736.
Familial hypercholesterolemia. Also called: Familial hypercholesterolemias; Familial hypercholesterolaemia. Identifiers: MedGen C0020445, MONDO:0005439.
Hypercholesterolemia, autosomal dominant, 3 (FHCL3). Also called: Familial hypercholesterolemia 3; Familial Hypercholesterolemia, Autosomal Dominant, 3; PCSK9-Related Familial Hypercholesterolemia, Autosomal Dominant. Identifiers: MedGen C1863551, MONDO:0011369, OMIM 603776.

Allele frequency attached by ClinVar (database versions not stated): gnomAD exomes below 0.00001 and 0.00001.
gnomAD v4.1: 4 of 1,614,154 alleles (0.00025%); highest among the groups gnomAD compares: Non-Finnish European, 0.00034%; no homozygotes.

Submissions (4):

All of Us Research Program, National Institutes of Health
Classification: Likely benign for Hypercholesterolemia, autosomal dominant, 3. Last evaluated: 2024-08-06. Review status: criteria provided, single submitter. Criteria: ACMG Guidelines, 2015. Collection method: clinical testing. Allele origin: germline. Inheritance: Autosomal dominant inheritance. Observed: 2 variant alleles, 2 heterozygotes.
Comment: This study involves interpretation of variants in research participants for the purpose of population health screening. Participant phenotype was not available at the time of variant classification. Additional details can be found in publication PMID: 35346344, PMCID: PMC8962531

Labcorp Genetics (formerly Invitae), Labcorp
Classification: Likely benign for Hypercholesterolemia, autosomal dominant, 3. Last evaluated: 2024-07-08. Review status: criteria provided, single submitter. Criteria: Invitae Variant Classification Sherloc (09022015). Collection method: clinical testing. Allele origin: germline.

Ambry Genetics
Classification: Likely benign for Cardiovascular phenotype. Last evaluated: 2022-03-03. Review status: criteria provided, single submitter. Criteria: Ambry Variant Classification Scheme 2023. Collection method: clinical testing. Allele origin: germline.

Color Diagnostics, LLC DBA Color Health
Classification: Likely benign for Familial hypercholesterolemia. Last evaluated: 2020-03-09. Review status: criteria provided, single submitter. Criteria: ACMG Guidelines, 2015. Collection method: clinical testing. Allele origin: germline.